The following is an entry in ClinVar:

ClinVar aggregate classification (germline): Benign/Likely benign. Review status: criteria provided, single submitter (1 of 4 stars). 3 submissions from 1 submitter: Benign (2); Likely benign (1). Last evaluated 2018-01-12.

Conditions:
Paroxysmal extreme pain disorder (PEXPD). Also called: PAIN, SUBMANDIBULAR, OCULAR, AND RECTAL, WITH FLUSHING; RECTAL PAIN, FAMILIAL; SCN9A Paroxysmal Extreme Pain Disorder (SCN9A-PEPD). Identifiers: Orphanet 46348, MedGen C1833661, MONDO:0008179, OMIM 167400.
Primary erythromelalgia. Also called: SCN9A Erythromelalgia (SCN9A-EM); primary erythermalgia. Identifiers: Orphanet 306577, Orphanet 90026, MedGen C0014805, MONDO:0007571, OMIM 133020.
Channelopathy-associated congenital insensitivity to pain, autosomal recessive. Also called: Insensitivity to pain, channelopathy-associated; ASYMBOLIA FOR PAIN; CONGENITAL ANALGESIA, AUTOSOMAL RECESSIVE. Identifiers: Orphanet 88642, Orphanet 970, MedGen C1855739, MONDO:0009459, OMIM 243000.

Allele frequency attached by ClinVar (database versions not stated): 1000 Genomes Project 0.00080; 1000 Genomes Project 30x 0.00141; gnomAD 0.00181 and 0.00201; TOPMed 0.00194.
gnomAD v4.1: 274 of 152,266 alleles (0.18%); highest among the groups gnomAD compares: African/African-American, 0.61%; 1 homozygote.

Submissions (3):

Illumina Laboratory Services, Illumina
Classification: Benign for Primary erythromelalgia. Last evaluated: 2018-01-12. Review status: criteria provided, single submitter. Criteria: ICSL Variant Classification Criteria 13 December 2019. Collection method: clinical testing. Allele origin: germline.
Comment: This variant was observed in the ICSL laboratory as part of a predisposition screen in an ostensibly healthy population. It had not been previously curated by ICSL or reported in the Human Gene Mutation Database (HGMD: prior to June 1st, 2018), and was therefore a candidate for classification through an automated scoring system. Utilizing variant allele frequency, disease prevalence and penetrance estimates, and inheritance mode, an automated score was calculated to assess if this variant is too frequent to cause the disease. Based on the score and internal cut-off values, a variant classified as benign is not then subjected to further curation. The score for this variant resulted in a classification of benign for this disease.

Illumina Laboratory Services, Illumina
Classification: Benign for Paroxysmal extreme pain disorder. Last evaluated: 2018-01-12. Review status: criteria provided, single submitter. Criteria: ICSL Variant Classification Criteria 13 December 2019. Collection method: clinical testing. Allele origin: germline.
Comment: the same text as in the submission from Illumina Laboratory Services, Illumina above.

Illumina Laboratory Services, Illumina
Classification: Likely benign for Channelopathy-associated congenital insensitivity to pain, autosomal recessive. Last evaluated: 2018-01-12. Review status: criteria provided, single submitter. Criteria: ICSL Variant Classification Criteria 13 December 2019. Collection method: clinical testing. Allele origin: germline.
Comment: This variant was observed in the ICSL laboratory as part of a predisposition screen in an ostensibly healthy population. It had not been previously curated by ICSL or reported in the Human Gene Mutation Database (HGMD: prior to June 1st, 2018), and was therefore a candidate for classification through an automated scoring system. Utilizing variant allele frequency, disease prevalence and penetrance estimates, and inheritance mode, an automated score was calculated to assess if this variant is too frequent to cause the disease. Based on the score and internal cut-off values, a variant classified as likely benign is not then subjected to further curation. The score for this variant resulted in a classification of likely benign for this disease.

NM_001365536.1(SCN9A):c.*2212T>C

Genes: SCN1A-AS1 (SCN1A and SCN9A antisense RNA 1; plus strand), SCN9A (sodium voltage-gated channel alpha subunit 9; minus strand). Cytogenetic location: 2q24.3.
Variant type: single nucleotide variant.
Coding change: c.*2212T>C on transcript NM_001365536.1 (MANE Select); 2212 bases downstream of the stop codon, T replaced by C.
Molecular consequence: 3 prime UTR variant.
Genome position (GRCh38, 1-based): chr2:166,196,460, A>G on the plus strand (T>C on the coding strand, the complement: SCN9A is on the minus strand). VCF-style: chr2-166196460-A-G. GRCh37 (hg19) VCF-style: chr2-167052970-A-G.
Other names: c.*2212T>C (NM_002977.4).
Identifiers: ClinVar variation 331917 (VCV000331917.6), dbSNP rs200750861, ClinGen allele CA10611226.
Genomic context (GRCh38, chr2:166,196,460, plus strand): 5'-TTTATATATATTTTTGAAATGCTAAGAAGAAATTGTGTTGTTAACAAACCAGTTGCCCAT[A>G]TTTTTTATTTTACATAAAAACAAGGCAATGTAAAAACATTAATAGAAAATTACACACGAA-3'